The following is an entry in ClinVar:

NM_001376.5(DYNC1H1):c.10168G>A (p.Gly3390Ser)

Gene: DYNC1H1 (dynein cytoplasmic 1 heavy chain 1; plus strand). Cytogenetic location: 14q32.31.
Variant type: single nucleotide variant.
Coding change: c.10168G>A on transcript NM_001376.5 (MANE Select); coding-DNA position 10168, G replaced by A.
Protein change: p.Gly3390Ser; replaces glycine 3390 with serine.
Molecular consequence: missense variant.
Genome position (GRCh38, 1-based): chr14:102,033,153, G>A. VCF-style: chr14-102033153-G-A. GRCh37 (hg19) VCF-style: chr14-102499490-G-A.
Other names: short protein forms G3390S.
Identifiers: ClinVar variation 3393555 (VCV003393555.3).

ClinVar aggregate classification (germline): Uncertain significance. Review status: criteria provided, multiple submitters, no conflicts (2 of 4 stars). 2 submissions from 2 submitters: Uncertain significance (2). Last evaluated 2025-04-23.

Conditions:
Charcot-Marie-Tooth disease axonal type 2O. Also called: CHARCOT-MARIE-TOOTH NEUROPATHY, AXONAL, TYPE 2O; CHARCOT-MARIE-TOOTH DISEASE, AXONAL, AUTOSOMAL DOMINANT, TYPE 2O; Charcot-Marie-Tooth Neuropathy Type 2O; Charcot-Marie-Tooth disease, axonal, type 20. Identifiers: Orphanet 284232, MedGen C3280220, MONDO:0013644, OMIM 614228.

gnomAD v4.1: 1 of 1,614,150 alleles (0.000062%); highest among the groups gnomAD compares: Non-Finnish European, 0.000085%; no homozygotes.

Submissions (2):

GeneDx
Classification: Uncertain significance. Last evaluated: 2025-04-23. Review status: criteria provided, single submitter. Criteria: GeneDx Variant Classification Process June 2021. Collection method: clinical testing. Allele origin: germline. Affected: yes.
Comment: Not observed at significant frequency in large population cohorts (gnomAD); In silico analysis supports that this missense variant has a deleterious effect on protein structure/function; Has not been previously published as pathogenic or benign to our knowledge; This variant is associated with the following publications: (PMID: 26100331, 25512093, 25609763)

Labcorp Genetics (formerly Invitae), Labcorp
Classification: Uncertain significance for Charcot-Marie-Tooth disease axonal type 2O. Last evaluated: 2025-02-09. Review status: criteria provided, single submitter. Criteria: Invitae Variant Classification Sherloc (09022015). Collection method: clinical testing. Allele origin: germline.
Comment: This sequence change replaces glycine, which is neutral and non-polar, with serine, which is neutral and polar, at codon 3390 of the DYNC1H1 protein (p.Gly3390Ser). This variant is not present in population databases (gnomAD no frequency). This variant has not been reported in the literature in individuals affected with DYNC1H1-related conditions. ClinVar contains an entry for this variant (Variation ID: 3393555). Invitae Evidence Modeling of protein sequence and biophysical properties (such as structural, functional, and spatial information, amino acid conservation, physicochemical variation, residue mobility, and thermodynamic stability) indicates that this missense variant is expected to disrupt DYNC1H1 protein function with a positive predictive value of 95%. In summary, the available evidence is currently insufficient to determine the role of this variant in disease. Therefore, it has been classified as a Variant of Uncertain Significance.